The following is an entry in ClinVar:

ClinVar aggregate classification (germline): Conflicting classifications of pathogenicity. Review status: criteria provided, conflicting classifications (1 of 4 stars). 4 submissions from 4 submitters: Uncertain significance (3); Likely benign (1). Last evaluated 2025-11-14.

Conditions:
Orofaciodigital syndrome type 6 (OFD6). Also called: OROFACIODIGITAL SYNDROME VI; OFDS VI; POLYDACTYLY, CLEFT LIP/PALATE OR LINGUAL LUMP, AND PSYCHOMOTOR RETARDATION; VARADI SYNDROME; VARADI-PAPP SYNDROME; Oral-facial-digital syndrome type 6. Identifiers: Orphanet 2754, MedGen C2745997, MONDO:0010176, OMIM 277170.
Joubert syndrome 17 (JBTS17). Identifiers: Orphanet 475, MedGen C3553264, MONDO:0013824, OMIM 614615.
Inborn genetic diseases. Identifiers: MedGen C0950123, MeSH D030342.

Allele frequency attached by ClinVar (database versions not stated): ExAC 0.00002; TOPMed 0.00002; gnomAD exomes 0.00005 and 0.00009.
gnomAD v4.1: 27 of 1,613,930 alleles (0.0017%); highest among the groups gnomAD compares: Admixed American, 0.045%; no homozygotes.

Submissions (4):

Labcorp Genetics (formerly Invitae), Labcorp
Classification: Likely benign. Last evaluated: 2025-11-14. Review status: criteria provided, single submitter. Criteria: Invitae Variant Classification Sherloc (09022015). Collection method: clinical testing. Allele origin: germline.

Fulgent Genetics
Classification: Uncertain significance for Orofaciodigital syndrome type 6; Joubert syndrome 17. Last evaluated: 2024-02-21. Review status: criteria provided, single submitter. Criteria: ACMG Guidelines, 2015. Collection method: clinical testing. Allele origin: germline.

Ambry Genetics
Classification: Uncertain significance for Inborn genetic diseases. Last evaluated: 2022-04-29. Review status: criteria provided, single submitter. Criteria: Ambry Variant Classification Scheme 2023. Collection method: clinical testing. Allele origin: germline.

GeneDx
Classification: Uncertain significance. Last evaluated: 2022-04-23. Review status: criteria provided, single submitter. Criteria: GeneDx Variant Classification Process June 2021. Collection method: clinical testing. Allele origin: germline. Affected: yes.
Comment: In silico analysis supports that this missense variant does not alter protein structure/function; Has not been previously published as pathogenic or benign to our knowledge

NM_001384732.1(CPLANE1):c.6446G>A (p.Ser2149Asn)

Gene: CPLANE1 (ciliogenesis and planar polarity effector complex subunit 1; minus strand). Cytogenetic location: 5p13.2.
Variant type: single nucleotide variant.
Coding change: c.6446G>A on transcript NM_001384732.1 (MANE Select); coding-DNA position 6446, G replaced by A.
Protein change: p.Ser2149Asn; replaces serine 2149 with asparagine.
Molecular consequence: missense variant.
Genome position (GRCh38, 1-based): chr5:37,170,057, C>T on the plus strand (G>A on the coding strand, the complement: CPLANE1 is on the minus strand). VCF-style: chr5-37170057-C-T. GRCh37 (hg19) VCF-style: chr5-37170159-C-T.
Other names: c.6446G>A, p.Ser2149Asn (NM_023073.4); short protein forms S2149N.
Identifiers: ClinVar variation 1015189 (VCV001015189.14), dbSNP rs765250980, ClinGen allele CA3238261.
Genomic context (GRCh38, chr5:37,170,057, plus strand): 5'-GAGCCACCGCGCCCAGCCATTAATGGTATTTTTACATACATTACCTGTACGTTTCCAGTA[C>T]TATTTTGACCAGATGGGATAGTTCCTTCATGGCAGTGTGGGCTGTTCTTGCGAGGCTCTC-3'
Protein context (NP_001371661.1, residues 2139-2159): HEGTIPSGQN[Ser2149Asn]TGNVQNVPHG